The following is an entry in ClinVar:

NM_006648.4(WNK2):c.377C>T (p.Pro126Leu)

Gene: WNK2 (WNK lysine deficient protein kinase 2; plus strand). Cytogenetic location: 9q22.31.
Variant type: single nucleotide variant.
Coding change: c.377C>T on transcript NM_006648.4 (MANE Select); coding-DNA position 377, C replaced by T.
Protein change: p.Pro126Leu; replaces proline 126 with leucine.
Molecular consequence: missense variant.
Genome position (GRCh38, 1-based): chr9:93,185,306, C>T. VCF-style: chr9-93185306-C-T. GRCh37 (hg19) VCF-style: chr9-95947588-C-T.
Other names: c.377C>T, p.Pro126Leu (NM_001282394.3); short protein forms P126L.
Identifiers: ClinVar variation 3981761 (VCV003981761.1).

ClinVar aggregate classification (germline): Uncertain significance (1 of 4 stars; one submission).

Submission:

Ambry Genetics
Classification: Uncertain significance. Last evaluated: 2025-03-30. Review status: criteria provided, single submitter. Criteria: Ambry Variant Classification Scheme 2023. Collection method: clinical testing. Allele origin: germline.
Comment: The p.P126L variant (also known as c.377C>T), located in coding exon 1 of the WNK2 gene, results from a C to T substitution at nucleotide position 377. The proline at codon 126 is replaced by leucine, an amino acid with similar properties. This amino acid position is conserved. In addition, this alteration is predicted to be tolerated by in silico analysis. Based on the available evidence, the clinical significance of this variant remains unclear.